The following is an entry in ClinVar:

ClinVar aggregate classification (germline): Uncertain significance (1 of 4 stars; one submission).

Conditions:
Familial adenomatous polyposis 1 (FAP1). Also called: FAMILIAL ADENOMATOUS POLYPOSIS 1, ATTENUATED; POLYPOSIS, ADENOMATOUS INTESTINAL. Identifiers: MedGen C2713442, MONDO:0021056, OMIM 175100. Disease mechanism: loss of function.

Submission:

Labcorp Genetics (formerly Invitae), Labcorp
Classification: Uncertain significance for Familial adenomatous polyposis 1. Last evaluated: 2020-10-20. Review status: criteria provided, single submitter. Criteria: Invitae Variant Classification Sherloc (09022015). Collection method: clinical testing. Allele origin: germline.
Comment: This variant occurs in a non-coding region of the APC gene. It does not change the encoded amino acid sequence of the APC protein. In summary, the available evidence is currently insufficient to determine the role of this variant in disease. Therefore, it has been classified as a Variant of Uncertain Significance. Experimental studies and prediction algorithms are not available or were not evaluated, and the functional significance of this variant is currently unknown. This variant has not been reported in the literature in individuals with APC-related conditions. The frequency data for this variant in the population databases is considered unreliable, as metrics indicate insufficient coverage at this position in the ExAC database.

NM_001127511.3(APC):c.151G>A (p.Ala51Thr)

Gene: APC (APC regulator of Wnt signaling pathway; plus strand). Cytogenetic location: 5q22.2.
Variant type: single nucleotide variant.
Coding change: c.151G>A on transcript NM_001127511.3; coding-DNA position 151, G replaced by A.
Protein change: p.Ala51Thr; replaces alanine 51 with threonine.
Molecular consequence: missense variant. On other transcripts: 5 prime UTR variant (8), non-coding transcript variant (1), intron variant (5).
Genome position (GRCh38, 1-based): chr5:112,707,868, G>A. VCF-style: chr5-112707868-G-A. GRCh37 (hg19) VCF-style: chr5-112043565-G-A.
Other names: c.-33G>A (NM_001354895.2, NM_001407447.1, NM_001407452.1 and 3 more transcripts); c.151G>A, p.Ala51Thr (NM_001354897.2, NM_001354902.2, NM_001407446.1); c.-1068G>A (NM_001407470.1, NM_001407472.1); c.-19+219G>A (NM_001407448.1, NM_001407450.1, NM_001407457.1 and 1 more transcripts); c.-43+219G>A (NM_001407453.1); short protein forms A51T.
Identifiers: ClinVar variation 1038806 (VCV001038806.7), dbSNP rs1750617136, ClinGen allele CA360612171.